The following is an entry in ClinVar:

ClinVar aggregate classification (germline): Uncertain significance (1 of 4 stars; one submission).

Submission:

GeneDx
Classification: Uncertain significance. Last evaluated: 2018-08-09. Review status: criteria provided, single submitter. Criteria: GeneDx Variant Classification (06012015). Collection method: clinical testing. Allele origin: germline. Affected: yes.
Comment: The D429G variant in the UPF3B gene has not been reported previously as a pathogenic variant, nor as a benign variant, to our knowledge. The D429G variant is not observed in large population cohorts (Lek et al., 2016). The D429G variant is a non-conservative amino acid substitution, which is likely to impact secondary protein structure as these residues differ in polarity, charge, size and/or other properties. In silico analyses, including protein predictors and evolutionary conservation, support a deleterious effect. We interpret D429G as a variant of uncertain significance.

NM_080632.3(UPF3B):c.1286A>G (p.Asp429Gly)

Gene: UPF3B (UPF3B regulator of nonsense mediated mRNA decay; minus strand). Cytogenetic location: Xq24.
Variant type: single nucleotide variant.
Coding change: c.1286A>G on transcript NM_080632.3 (MANE Select); coding-DNA position 1286, A replaced by G.
Protein change: p.Asp429Gly; replaces aspartic acid 429 with glycine.
Molecular consequence: missense variant.
Genome position (GRCh38, 1-based): chrX:119,837,773, T>C on the plus strand (A>G on the coding strand, the complement: UPF3B is on the minus strand). VCF-style: chrX-119837773-T-C. GRCh37 (hg19) VCF-style: chrX-118971736-T-C.
Other names: c.1247A>G, p.Asp416Gly (NM_023010.4); short protein forms D429G, D416G.
Identifiers: ClinVar variation 420716 (VCV000420716.2), dbSNP rs1064794658, ClinGen allele CA16621186.
Genomic context (GRCh38, chrX:119,837,773, plus strand): 5'-AAGGGAAAAAAACCCTCATAAACAAGTTTAATGACAAGCAGCACCTTGTTTCTTATTCGA[T>C]CTCTCTTGACCACTTCTTCTTTCTTTTCAGTTTTTTCTGAGCTGCCTATTGATTCTGTAC-3'
Protein context (NP_542199.1, residues 419-439): TEKKEEVVKR[Asp429Gly]RIRNKDRPAM